The following is an entry in ClinVar:

NM_004304.5(ALK):c.4119G>T (p.Arg1373Ser)

Gene: ALK (ALK receptor tyrosine kinase; minus strand). Cytogenetic location: 2p23.2.
Variant type: single nucleotide variant.
Coding change: c.4119G>T on transcript NM_004304.5 (MANE Select); coding-DNA position 4119, G replaced by T.
Protein change: p.Arg1373Ser; replaces arginine 1373 with serine.
Molecular consequence: missense variant.
Genome position (GRCh38, 1-based): chr2:29,196,815, C>A on the plus strand (G>T on the coding strand, the complement: ALK is on the minus strand). VCF-style: chr2-29196815-C-A. GRCh37 (hg19) VCF-style: chr2-29419681-C-A.
Other names: c.4119G>T (NM_004304.4); c.915G>T, p.Arg305Ser (NM_001353765.2); short protein forms R305S, R1373S.
Identifiers: ClinVar variation 2998646 (VCV002998646.4), dbSNP rs2148141833, ClinGen allele CA346465111.

ClinVar aggregate classification (germline): Uncertain significance. Review status: criteria provided, multiple submitters, no conflicts (2 of 4 stars). 2 submissions from 2 submitters: Uncertain significance (2). Last evaluated 2026-02-23.

Conditions:
Neuroblastoma, susceptibility to, 3. Also called: ALK-Related Neuroblastic Tumor Susceptibility. Identifiers: Orphanet 635, MedGen C2751681, MONDO:0013083, OMIM 613014.
Hereditary cancer-predisposing syndrome. Also called: Neoplastic Syndromes, Hereditary; Tumor predisposition; Hereditary Cancer Syndrome; Hereditary neoplastic syndrome. Identifiers: Orphanet 140162, MedGen C0027672, MeSH D009386, MONDO:0015356.

Allele frequency attached by ClinVar (database versions not stated): gnomAD exomes below 0.00001.
gnomAD v4.1: 1 of 1,614,142 alleles (0.000062%); highest among the groups gnomAD compares: Non-Finnish European, 0.000085%; no homozygotes.

Submissions (2):

Ambry Genetics
Classification: Uncertain significance for Hereditary cancer-predisposing syndrome. Last evaluated: 2026-02-23. Review status: criteria provided, single submitter. Criteria: Ambry Variant Classification Scheme 2023. Collection method: clinical testing. Allele origin: germline.
Comment: The p.R1373S variant (also known as c.4119G>T), located in coding exon 28 of the ALK gene, results from a G to T substitution at nucleotide position 4119. The arginine at codon 1373 is replaced by serine, an amino acid with dissimilar properties. This amino acid position is highly conserved in available vertebrate species. In addition, this alteration is predicted to be deleterious by in silico analysis. Based on the available evidence, the clinical significance of this variant remains unclear.

Labcorp Genetics (formerly Invitae), Labcorp
Classification: Uncertain significance for Neuroblastoma, susceptibility to, 3. Last evaluated: 2023-04-07. Review status: criteria provided, single submitter. Criteria: Invitae Variant Classification Sherloc (09022015). Collection method: clinical testing. Allele origin: germline.
Comment: This variant is not present in population databases (gnomAD no frequency). This variant has not been reported in the literature in individuals affected with ALK-related conditions. An algorithm developed to predict the effect of missense changes on protein structure and function (PolyPhen-2) suggests that this variant is likely to be disruptive. In summary, the available evidence is currently insufficient to determine the role of this variant in disease. Therefore, it has been classified as a Variant of Uncertain Significance. This sequence change replaces arginine, which is basic and polar, with serine, which is neutral and polar, at codon 1373 of the ALK protein (p.Arg1373Ser).